The following is an entry in ClinVar:

ClinVar aggregate classification (germline): Conflicting classifications of pathogenicity. Review status: criteria provided, conflicting classifications (1 of 4 stars). 6 submissions from 6 submitters: Uncertain significance (2); Likely benign (4). Last evaluated 2025-11-04.

Conditions:
CTDP1-related disorder. Also called: CTDP1-related condition.
Congenital cataracts-facial dysmorphism-neuropathy syndrome (CCFDN). Also called: CTDP1-Related Congenital Cataracts, Facial Dysmorphism, and Neuropathy; CATARACT, CONGENITAL, WITH FACIAL DYSMORPHISM AND NEUROPATHY. Identifiers: Orphanet 48431, MedGen C1858726, MONDO:0011402, OMIM 604168.

Allele frequency attached by ClinVar (database versions not stated): ExAC 0.00055; ESP Exome Variant Server 0.00055; gnomAD exomes 0.00067; gnomAD 0.00103 and 0.00104; TOPMed 0.00149; 1000 Genomes Project 30x 0.00156; 1000 Genomes Project 0.00160.
gnomAD v4.1: 1,525 of 1,611,086 alleles (0.095%); highest among the groups gnomAD compares: Admixed American, 0.25%; 2 homozygotes.

Submissions (6):

Women's Health and Genetics/Laboratory Corporation of America, LabCorp
Classification: Likely benign. Last evaluated: 2025-11-04. Review status: criteria provided, single submitter. Criteria: LabCorp Variant Classification Summary - May 2015. Collection method: clinical testing. Allele origin: germline.
Comment: Variant summary: CTDP1 c.1219T>C (p.Trp407Arg) results in a non-conservative amino acid change in the encoded protein sequence. Algorithms developed to predict the effect of missense changes on protein structure and function are either unavailable or do not agree on the potential impact of this missense change. The variant allele was found at a frequency of 0.00067 in 237156 control chromosomes, predominantly at a frequency of 0.0016 within the Latino subpopulation in the gnomAD database. The observed variant frequency within Latino control individuals in the gnomAD database exceeds the estimated maximal expected allele frequency for disease-causing variants in CTDP1. c.1219T>C has been observed as heterozygous in an individual with variants in additional gene(s) considered to be an alternative explanation for disease, and affected with macrocephaly, intractable epilepsy, autism, severe developmental delays, hypotonia, and hypoglycemia (Thiffault_2020). This report does not provide unequivocal conclusions about association of the variant with Congenital cataracts-facial dysmorphism-neuropathy syndrome. To our knowledge, no experimental evidence demonstrating an impact on protein function has been reported. The following publication has been ascertained in the context of this evaluation (PMID: 32358097). ClinVar contains an entry for this variant (Variation ID: 1163617). Based on the evidence outlined above, the variant was classified as likely benign.

Mayo Clinic Laboratories, Mayo Clinic
Classification: Likely benign. Last evaluated: 2025-05-06. Review status: criteria provided, single submitter. Criteria: ACMG Guidelines, 2015. Collection method: clinical testing. Allele origin: germline. Observed: 6 variant alleles.
Comment: BS2, BP4_strong

PreventionGenetics, part of Exact Sciences
Classification: Likely benign for CTDP1-related condition. Last evaluated: 2025-01-22. Review status: criteria provided, single submitter. Criteria: ACMG Guidelines, 2015. Collection method: clinical testing. Allele origin: germline.
Comment: This variant is classified as likely benign based on ACMG/AMP sequence variant interpretation guidelines (Richards et al. 2015 PMID: 25741868, with internal and published modifications).

Blueprint Genetics
Classification: Likely benign. Last evaluated: 2024-10-14. Review status: criteria provided, single submitter. Criteria: ACMG Guidelines, 2015. Collection method: clinical testing. Allele origin: germline.

ARUP Laboratories, Molecular Genetics and Genomics, ARUP Laboratories
Classification: Uncertain significance for Congenital cataracts-facial dysmorphism-neuropathy syndrome. Last evaluated: 2023-11-22. Review status: criteria provided, single submitter. Criteria: ARUP Molecular Germline Variant Investigation Process 2024. Collection method: clinical testing. Allele origin: germline.

Fulgent Genetics
Classification: Uncertain significance for Congenital cataracts-facial dysmorphism-neuropathy syndrome. Last evaluated: 2022-01-04. Review status: criteria provided, single submitter. Criteria: ACMG Guidelines, 2015. Collection method: clinical testing. Allele origin: unknown.

Literature cited by the submitters: PubMed 32358097 (cited by Women's Health and Genetics/Laboratory Corporation of America, LabCorp and Mayo Clinic Laboratories, Mayo Clinic).

NM_004715.5(CTDP1):c.1219T>C (p.Trp407Arg)

Gene: CTDP1 (CTD phosphatase 1; plus strand). Cytogenetic location: 18q23.
Variant type: single nucleotide variant.
Coding change: c.1219T>C on transcript NM_004715.5 (MANE Select); coding-DNA position 1219, T replaced by C.
Protein change: p.Trp407Arg; replaces tryptophan 407 with arginine.
Molecular consequence: missense variant.
Genome position (GRCh38, 1-based): chr18:79,714,679, T>C. VCF-style: chr18-79714679-T-C. GRCh37 (hg19) VCF-style: chr18-77474679-T-C.
Other names: c.862T>C, p.Trp288Arg (NM_001202504.1); c.1219T>C, p.Trp407Arg (NM_001318511.2, NM_048368.4); short protein forms W288R, W407R.
Identifiers: ClinVar variation 1163617 (VCV001163617.11), dbSNP rs149090172, ClinGen allele CA9010253.